The following is an entry in ClinVar:

NM_001130438.3(SPTAN1):c.6460C>T (p.Gln2154Ter)

Gene: SPTAN1 (spectrin alpha, non-erythrocytic 1; plus strand). Cytogenetic location: 9q34.11.
Variant type: single nucleotide variant.
Coding change: c.6460C>T on transcript NM_001130438.3 (MANE Select); coding-DNA position 6460, C replaced by T.
Protein change: p.Gln2154Ter; replaces glutamine 2154 with a stop codon.
Molecular consequence: nonsense.
Genome position (GRCh38, 1-based): chr9:128,626,571, C>T. VCF-style: chr9-128626571-C-T. GRCh37 (hg19) VCF-style: chr9-131388850-C-T.
Other names: c.6385C>T, p.Gln2129Ter (NM_001195532.2); c.6460C>T, p.Gln2154Ter (NM_001363759.2, NM_001375310.1, NM_001375311.2 and 1 more transcripts); c.6400C>T, p.Gln2134Ter (NM_001363765.2, NM_001375314.2); c.6496C>T, p.Gln2166Ter (NM_001375312.2, NM_001375318.1); c.6445C>T, p.Gln2149Ter (NM_003127.4); short protein forms Q2134*, Q2166*, Q2149*, Q2154*, Q2129*.
Identifiers: ClinVar variation 3322409 (VCV003322409.1).
Genomic context (GRCh38, chr9:128,626,571, plus strand): 5'-TTGCGCGAGGCCCACGACGCCTTCCGCTCCTCCCTCAGCTCTGCCCAGGCTGACTTCAAC[C>T]AGCTGGCCGAGCTGGACCGCCAGATCAAGAGCTTCCGCGTAGCCTCCAACCCCTACACCT-3'

ClinVar aggregate classification (germline): Pathogenic (1 of 4 stars; one submission).

Conditions:
Inborn genetic diseases. Identifiers: MedGen C0950123, MeSH D030342.

Submission:

Ambry Genetics
Classification: Pathogenic for Inborn genetic diseases. Last evaluated: 2024-04-05. Review status: criteria provided, single submitter. Criteria: Ambry Variant Classification Scheme 2023. Collection method: clinical testing. Allele origin: germline.
Comment: The c.6460C>T (p.Q2154*) alteration, located in exon 49 (coding exon 48) of the SPTAN1 gene, consists of a C to T substitution at nucleotide position 6460. This changes the amino acid from a glutamine (Q) to a stop codon at amino acid position 2154. This alteration is expected to result in loss of function by premature protein truncation or nonsense-mediated mRNA decay. for SPTAN1-related neurologic disorders; however, its clinical significance for SPTAN1-related developmental and epileptic encephalopathy is uncertain This variant was not reported in population-based cohorts in the Genome Aggregation Database (gnomAD). This variant was reported in siblings with motor neuropathy (Beijer, 2019). Based on the available evidence, this alteration is classified as pathogenic.

Literature cited by the submitters: PubMed 31332438.